The following is an entry in ClinVar:

ClinVar aggregate classification (germline): Uncertain significance (1 of 4 stars; one submission).

Conditions:
Wilson disease (WND). Also called: Wilson's disease. Identifiers: Orphanet 905, MedGen C0019202, MONDO:0010200, OMIM 277900. Disease mechanism: loss of function.

gnomAD v4.1: 1 of 1,614,262 alleles (0.000062%); highest among the groups gnomAD compares: Middle Eastern, 0.016%; no homozygotes.

Submission:

Color Diagnostics, LLC DBA Color Health
Classification: Uncertain significance for Wilson disease. Last evaluated: 2025-06-23. Review status: criteria provided, single submitter. Criteria: ACMG Guidelines, 2015. Collection method: clinical testing. Allele origin: germline.
Comment: This missense variant replaces glycine with arginine at codon 397 of the ATP7B protein. Computational prediction is inconclusive regarding the impact of this variant on protein structure and function. To our knowledge, functional studies have not been reported for this variant. This variant has not been reported in individuals affected with ATP7B-related disorders in the literature. This variant has been identified in 1/249552 chromosomes in the general population by the Genome Aggregation Database (gnomAD). The available evidence is insufficient to determine the role of this variant in disease conclusively. Therefore, this variant is classified as a Variant of Uncertain Significance.

NM_000053.4(ATP7B):c.1189G>C (p.Gly397Arg)

Gene: ATP7B (ATPase copper transporting beta; minus strand). Cytogenetic location: 13q14.3.
Variant type: single nucleotide variant.
Coding change: c.1189G>C on transcript NM_000053.4 (MANE Select); coding-DNA position 1189, G replaced by C.
Protein change: p.Gly397Arg; replaces glycine 397 with arginine.
Molecular consequence: missense variant.
Genome position (GRCh38, 1-based): chr13:51,974,031, C>G on the plus strand (G>C on the coding strand, the complement: ATP7B is on the minus strand). VCF-style: chr13-51974031-C-G. GRCh37 (hg19) VCF-style: chr13-52548167-C-G.
Other names: c.1189G>C, p.Gly397Arg (NM_001406542.1, NM_001406545.1, NM_001406546.1 and 29 more transcripts); c.1093G>C, p.Gly365Arg (NM_001406543.1, NM_001406544.1, NM_001406517.1 and 3 more transcripts); c.856G>C, p.Gly286Arg (NM_001243182.2); c.760G>C, p.Gly254Arg (NM_001406539.1); short protein forms G254R, G286R, G365R, G397R.
Identifiers: ClinVar variation 4757342 (VCV004757342.1).
Genomic context (GRCh38, chr13:51,974,031, plus strand): 5'-TAGCAGCTCTGAGTTCTTCTGGGCTAATTACAGAGGGATTATAAAGAACTGTTGCAGTCC[C>G]TTCGGCCAAAGACACCGATATTTGCTGCACCCCTTCCAGTTGGGAGATCATGCCTTCAAT-3'
Protein context (NP_000044.2, residues 387-407): VQQISVSLAE[Gly397Arg]TATVLYNPSV